The following is an entry in ClinVar:

NM_001378964.1(CDON):c.*2734G>A

Gene: CDON (cell adhesion associated, oncogene regulated; minus strand). Cytogenetic location: 11q24.2.
Variant type: single nucleotide variant.
Coding change: c.*2734G>A on transcript NM_001378964.1 (MANE Select); 2734 bases downstream of the stop codon, G replaced by A.
Molecular consequence: 3 prime UTR variant.
Genome position (GRCh38, 1-based): chr11:125,958,208, C>T on the plus strand (G>A on the coding strand, the complement: CDON is on the minus strand). VCF-style: chr11-125958208-C-T. GRCh37 (hg19) VCF-style: chr11-125828103-C-T.
Other names: c.*2734G>A (NM_001243597.3, NM_016952.6).
Identifiers: ClinVar variation 303401 (VCV000303401.5), dbSNP rs12294405, ClinGen allele CA10638295.

ClinVar aggregate classification (germline): Benign (1 of 4 stars; one submission).

Conditions:
Holoprosencephaly 11 (HPE11). Identifiers: Orphanet 2162, MedGen C3280215, MONDO:0013642, OMIM 614226.

Allele frequency attached by ClinVar (database versions not stated): gnomAD 0.02049 and 0.02212; 1000 Genomes Project 0.02177; TOPMed 0.02357; 1000 Genomes Project 30x 0.02389.

Submission:

Illumina Laboratory Services, Illumina
Classification: Benign for Holoprosencephaly 11. Last evaluated: 2018-01-13. Review status: criteria provided, single submitter. Criteria: ICSL Variant Classification Criteria 13 December 2019. Collection method: clinical testing. Allele origin: germline.
Comment: This variant was observed in the ICSL laboratory as part of a predisposition screen in an ostensibly healthy population. It had not been previously curated by ICSL or reported in the Human Gene Mutation Database (HGMD: prior to June 1st, 2018), and was therefore a candidate for classification through an automated scoring system. Utilizing variant allele frequency, disease prevalence and penetrance estimates, and inheritance mode, an automated score was calculated to assess if this variant is too frequent to cause the disease. Based on the score and internal cut-off values, a variant classified as benign is not then subjected to further curation. The score for this variant resulted in a classification of benign for this disease.